The following is an entry in ClinVar:

NM_000548.5(TSC2):c.3614A>G (p.Asn1205Ser)

Gene: TSC2 (TSC complex subunit 2; plus strand). Cytogenetic location: 16p13.3.
Variant type: single nucleotide variant.
Coding change: c.3614A>G on transcript NM_000548.5 (MANE Select); coding-DNA position 3614, A replaced by G.
Protein change: p.Asn1205Ser; replaces asparagine 1205 with serine.
Molecular consequence: missense variant.
Genome position (GRCh38, 1-based): chr16:2,081,598, A>G. VCF-style: chr16-2081598-A-G. GRCh37 (hg19) VCF-style: chr16-2131599-A-G.
Other names: c.2141A>G, p.Asn714Ser (NM_001406693.1, NM_001406694.1, NM_001406690.1 and 1 more transcripts); c.2138A>G, p.Asn713Ser (NM_001406695.1, NM_001406696.1, NM_001406697.1 and 1 more transcripts); c.1880A>G, p.Asn627Ser (NM_001406698.1); c.3485A>G, p.Asn1162Ser (NM_021055.3, NM_001363528.2, NM_001370405.1); c.3482A>G, p.Asn1161Ser (NM_001077183.3, NM_001370404.1, NM_001406665.1); c.3614A>G, p.Asn1205Ser (NM_001114382.3); c.3374A>G, p.Asn1125Ser (NM_001318827.2); c.3338A>G, p.Asn1113Ser (NM_001318829.2); and 18 more; short protein forms N1112S, N1125S, N1155S, N1157S, N1161S, N1162S, N1191S, N627S.
Identifiers: ClinVar variation 1733259 (VCV001733259.5), dbSNP rs2544152198, ClinGen allele CA394291406.
Genomic context (GRCh38, chr16:2,081,598, plus strand): 5'-CAGAGATGGGTAAGGGGAGGTACTGGCCTCAGGCCAAAGGTGCTGCCGCCTCCGCAGGGA[A>G]CACCAGCTGGCTGATGAGCCTGGAGAACCCGCTCAGCCCTTTCTCCTCGGACATCAACAA-3'
Protein context (NP_000539.2, residues 1195-1215): AEILVRRPTG[Asn1205Ser]TSWLMSLENP

ClinVar aggregate classification (germline): Uncertain significance. Review status: criteria provided, multiple submitters, no conflicts (2 of 4 stars). 2 submissions from 2 submitters: Uncertain significance (2). Last evaluated 2024-02-23.

Conditions:
Tuberous sclerosis 2 (TSC2). Identifiers: Orphanet 805, MedGen C1860707, MONDO:0013199, OMIM 613254.
Hereditary cancer-predisposing syndrome. Also called: Neoplastic Syndromes, Hereditary; Tumor predisposition; Hereditary Cancer Syndrome; Hereditary neoplastic syndrome. Identifiers: Orphanet 140162, MedGen C0027672, MeSH D009386, MONDO:0015356.

Allele frequency attached by ClinVar (database versions not stated): gnomAD exomes below 0.00001.
gnomAD v4.1: 1 of 1,612,816 alleles (0.000062%); highest among the groups gnomAD compares: Non-Finnish European, 0.000085%; no homozygotes.

Submissions (2):

Labcorp Genetics (formerly Invitae), Labcorp
Classification: Uncertain significance for Tuberous sclerosis 2. Last evaluated: 2024-02-23. Review status: criteria provided, single submitter. Criteria: Invitae Variant Classification Sherloc (09022015). Collection method: clinical testing. Allele origin: germline.
Comment: This sequence change replaces asparagine, which is neutral and polar, with serine, which is neutral and polar, at codon 1205 of the TSC2 protein (p.Asn1205Ser). This variant is not present in population databases (gnomAD no frequency). This variant has not been reported in the literature in individuals affected with TSC2-related conditions. ClinVar contains an entry for this variant (Variation ID: 1733259). Advanced modeling of protein sequence and biophysical properties (such as structural, functional, and spatial information, amino acid conservation, physicochemical variation, residue mobility, and thermodynamic stability) performed at Invitae indicates that this missense variant is not expected to disrupt TSC2 protein function with a negative predictive value of 95%. In summary, the available evidence is currently insufficient to determine the role of this variant in disease. Therefore, it has been classified as a Variant of Uncertain Significance.

Ambry Genetics
Classification: Uncertain significance for Hereditary cancer-predisposing syndrome. Last evaluated: 2020-07-28. Review status: criteria provided, single submitter. Criteria: Ambry Variant Classification Scheme 2023. Collection method: clinical testing. Allele origin: germline.
Comment: The p.N1205S variant (also known as c.3614A>G), located in coding exon 30 of the TSC2 gene, results from an A to G substitution at nucleotide position 3614. The asparagine at codon 1205 is replaced by serine, an amino acid with highly similar properties. This amino acid position is highly conserved in available vertebrate species. In addition, the in silico prediction for this alteration is inconclusive. Since supporting evidence is limited at this time, the clinical significance of this alteration remains unclear.